The following is an entry in ClinVar:

NM_000321.3(RB1):c.1849_1850insA (p.Gly617fs)

Gene: RB1 (RB transcriptional corepressor 1; plus strand). Cytogenetic location: 13q14.2.
Variant type: Insertion.
Coding change: c.1849_1850insA on transcript NM_000321.3 (MANE Select); coding-DNA positions 1849 to 1850, A inserted.
Protein change: p.Gly617fs; shifts the reading frame from glycine 617.
Molecular consequence: frameshift variant.
Genome position: GRCh38 VCF-style: chr13-48456238-G-GA. GRCh37 (hg19) VCF-style: chr13-49030374-G-GA.
Other names: c.1849_1850insA, p.Gly617fs (NM_001407165.1); short protein forms G617fs.
Identifiers: ClinVar variation 3237034 (VCV003237034.1), dbSNP rs2542364023.
Genomic context (GRCh38, chr13:48,456,238, plus strand): 5'-AAGACTTTTCCTTTAAATATATCTAGGTATCTTTCTCCTGTAAGATCTCCAAAGAAAAAA[G>GA]GTTCAACTACGCGTGTAAATTCTACTGCAAATGCAGAGACACAAGCAACCTCAGCCTTCC-3'

ClinVar aggregate classification (germline): Pathogenic (1 of 4 stars; one submission).

Conditions:
Retinoblastoma (RB1). Also called: RETINOBLASTOMA, SOMATIC. Identifiers: Orphanet 790, MedGen C0035335, MeSH D012175, MONDO:0008380, OMIM 180200, HP:0009919. Disease mechanism: loss of function. Inheritance: Both sporadic and heritable forms are tested..

Submission:

Genetic Diagnostic Laboratory, University of Pennsylvania School of Medicine
Classification: Pathogenic for Retinoblastoma. Last evaluated: 2024-05-20. Review status: criteria provided, single submitter. Criteria: ACMG Guidelines, 2015. Collection method: clinical testing. Allele origin: germline. Affected: yes. Observed: 1 variant allele.
Comment: Case and Pedigree Information: BILATERAL CASES:1, UNILATERAL CASES:0, TOTAL CASES:1, PEDIGREES:1. ACMG Codes Applied:PVS1, PM2